The following is an entry in ClinVar:

ClinVar aggregate classification (germline): Uncertain significance (1 of 4 stars; one submission).

Submission:

Labcorp Genetics (formerly Invitae), Labcorp
Classification: Uncertain significance. Last evaluated: 2022-06-27. Review status: criteria provided, single submitter. Criteria: Invitae Variant Classification Sherloc (09022015). Collection method: clinical testing. Allele origin: germline.
Comment: In summary, the available evidence is currently insufficient to determine the role of this variant in disease. Therefore, it has been classified as a Variant of Uncertain Significance. Experimental studies and prediction algorithms are not available or were not evaluated, and the functional significance of this variant is currently unknown. This variant has not been reported in the literature in individuals affected with MAP3K20-related conditions. This variant is not present in population databases (gnomAD no frequency). This sequence change replaces leucine with valine at codon 196 of the MAP3K20 protein (p.Leu196Val). The leucine residue is highly conserved and there is a small physicochemical difference between leucine and valine.

NM_016653.3(MAP3K20):c.586C>G (p.Leu196Val)

Genes: MAP3K20 (mitogen-activated protein kinase kinase kinase 20; plus strand), MAP3K20-AS1 (MAP3K20 antisense RNA 1; minus strand). Cytogenetic location: 2q31.1.
Variant type: single nucleotide variant.
Coding change: c.586C>G on transcript NM_016653.3 (MANE Select); coding-DNA position 586, C replaced by G.
Protein change: p.Leu196Val; replaces leucine 196 with valine.
Molecular consequence: missense variant. On other transcripts: non-coding transcript variant (1).
Genome position (GRCh38, 1-based): chr2:173,198,029, C>G. VCF-style: chr2-173198029-C-G. GRCh37 (hg19) VCF-style: chr2-174062757-C-G.
Other names: c.586C>G, p.Leu196Val (NM_133646.3); short protein forms L196V.
Identifiers: ClinVar variation 1379843 (VCV001379843.6), dbSNP rs2106284303, ClinGen allele CA349313409.